The following is an entry in ClinVar:

ClinVar aggregate classification (germline): Uncertain significance. Review status: criteria provided, multiple submitters, no conflicts (2 of 4 stars). 2 submissions from 2 submitters: Uncertain significance (2). Last evaluated 2025-07-24.

Conditions:
Cardiovascular phenotype. Identifiers: MedGen CN230736.

gnomAD v4.1: 10 of 1,613,742 alleles (0.00062%); highest among the groups gnomAD compares: South Asian, 0.0011%; no homozygotes.

Submissions (2):

Ambry Genetics
Classification: Uncertain significance for Cardiovascular phenotype. Last evaluated: 2025-07-24. Review status: criteria provided, single submitter. Criteria: Ambry Variant Classification Scheme 2023. Collection method: clinical testing. Allele origin: germline.
Comment: The p.G3115V variant (also known as c.9344G>T), located in coding exon 26 of the TNXB gene, results from a G to T substitution at nucleotide position 9344. The glycine at codon 3115 is replaced by valine, an amino acid with dissimilar properties. This amino acid position is conserved. In addition, this alteration is predicted to be tolerated by in silico analysis. Based on the available evidence, the clinical significance of this variant remains unclear.

Women's Health and Genetics/Laboratory Corporation of America, LabCorp
Classification: Uncertain significance. Last evaluated: 2025-04-07. Review status: criteria provided, single submitter. Criteria: LabCorp Variant Classification Summary - May 2015. Collection method: clinical testing. Allele origin: germline.
Comment: Variant summary: TNXB c.9344G>T (p.Gly3115Val) results in a non-conservative amino acid change in the encoded protein sequence. Four of five in-silico tools predict a damaging effect of the variant on protein function. The variant allele was found at a frequency of 4.1e-06 in 246480 control chromosomes. The available data on variant occurrences in the general population are insufficient to allow any conclusion about variant significance. To our knowledge, no occurrence of c.9344G>T in individuals affected with Ehlers-Danlos syndrome due to tenascin-X deficiency and no experimental evidence demonstrating its impact on protein function have been reported. No submitters have cited clinical-significance assessments for this variant to ClinVar. Based on the evidence outlined above, the variant was classified as uncertain significance.

NM_001365276.2(TNXB):c.9350G>T (p.Gly3117Val)

Gene: TNXB (tenascin XB; minus strand). Cytogenetic location: 6p21.33.
Variant type: single nucleotide variant.
Coding change: c.9350G>T on transcript NM_001365276.2 (MANE Select); coding-DNA position 9350, G replaced by T.
Protein change: p.Gly3117Val; replaces glycine 3117 with valine.
Molecular consequence: missense variant.
Genome position (GRCh38, 1-based): chr6:32,050,087, C>A on the plus strand (G>T on the coding strand, the complement: TNXB is on the minus strand). VCF-style: chr6-32050087-C-A. GRCh37 (hg19) VCF-style: chr6-32017864-C-A.
Other names: c.10091G>T, p.Gly3364Val (NM_001428335.1); c.9344G>T, p.Gly3115Val (NM_019105.8); c.9344G>T (NM_019105.6); short protein forms G3115V, G3117V, G3364V.
Identifiers: ClinVar variation 3896444 (VCV003896444.3).